The following is an entry in ClinVar:

NM_005902.4(SMAD3):c.521G>A (p.Ser174Asn)

Gene: SMAD3 (SMAD family member 3; plus strand). Cytogenetic location: 15q22.33.
Variant type: single nucleotide variant.
Coding change: c.521G>A on transcript NM_005902.4 (MANE Select); coding-DNA position 521, G replaced by A.
Protein change: p.Ser174Asn; replaces serine 174 with asparagine.
Molecular consequence: missense variant. On other transcripts: intron variant (2).
Genome position (GRCh38, 1-based): chr15:67,165,373, G>A. VCF-style: chr15-67165373-G-A. GRCh37 (hg19) VCF-style: chr15-67457711-G-A.
Other names: c.206G>A, p.Ser69Asn (NM_001145102.2, NM_001407016.1); c.389G>A, p.Ser130Asn (NM_001145103.2); c.521G>A, p.Ser174Asn (NM_001407011.1, NM_001407013.1); c.374G>A, p.Ser125Asn (NM_001407014.1); c.400+285G>A (NM_001407012.1); c.85+285G>A (NM_001407015.1); short protein forms S125N, S130N, S174N, S69N.
Identifiers: ClinVar variation 3386012 (VCV003386012.1).
Genomic context (GRCh38, chr15:67,165,373, plus strand): 5'-ACGACTACAGCCATTCCATCCCCGAAAACACTAACTTCCCCGCAGGCATCGAGCCCCAGA[G>A]CAATATTCCAGGTAGGCACGTGGGCGGCACAGGCTGGCCTGGGAGGCAGGGGCAGCGGTC-3'
Protein context (NP_005893.1, residues 164-184): TNFPAGIEPQ[Ser174Asn]NIPETPPPGY

ClinVar aggregate classification (germline): Uncertain significance (1 of 4 stars; one submission).

Conditions:
Aneurysm-osteoarthritis syndrome. Also called: LOEYS-DIETZ SYNDROME WITH OSTEOARTHRITIS; SMAD3-Related Loeys-Dietz Syndrome; ANEURYSMS-OSTEOARTHRITIS SYNDROME; Loeys-Dietz syndrome, type 1C. Identifiers: Orphanet 284984, MedGen C3151087, MONDO:0013426, OMIM 613795.

Submission:

All of Us Research Program, National Institutes of Health
Classification: Uncertain significance for Aneurysm-osteoarthritis syndrome. Last evaluated: 2024-04-16. Review status: criteria provided, single submitter. Criteria: ACMG Guidelines, 2015. Collection method: clinical testing. Allele origin: germline. Inheritance: Autosomal dominant inheritance. Observed: 1 variant allele, 1 heterozygote.
Comment: This missense variant replaces serine with asparagine at codon 174 of the SMAD3 protein. Computational prediction suggests that this variant may not impact protein structure and function (internally defined REVEL score threshold <= 0.5, PMID: 27666373). To our knowledge, functional studies have not been reported for this variant. This variant has not been reported in individuals affected with SMAD3-related disorders in the literature. This variant has not been identified in the general population by the Genome Aggregation Database (gnomAD). The available evidence is insufficient to determine the role of this variant in disease conclusively. Therefore, this variant is classified as a Variant of Uncertain Significance.

This study involves interpretation of variants in research participants for the purpose of population health screening. Participant phenotype was not available at the time of variant classification. Additional details can be found in publication PMID: 35346344, PMCID: PMC8962531